The following is an entry in ClinVar:

ClinVar aggregate classification (germline): Likely pathogenic (1 of 4 stars; one submission).

Conditions:
Adams-Oliver syndrome 2 (AOS2). Identifiers: Orphanet 974, MedGen C3280182, MONDO:0013635, OMIM 614219.

Submission:

Juno Genomics, Hangzhou Juno Genomics, Inc
Classification: Likely pathogenic for Adams-Oliver syndrome 2. Review status: criteria provided, single submitter. Criteria: ACMG Guidelines, 2015. Collection method: clinical testing. Allele origin: germline.
Comment: Null variant in a gene where loss of function (LOF) is a known mechanism of disease.;Absent from controls (or at extremely low frequency if recessive) in Genome Aggregation Database.

NM_020812.4(DOCK6):c.4196_4197delinsGATG (p.Ile1399fs)

Genes: DOCK6 (dedicator of cytokinesis 6; minus strand), DOCK6-AS1 (DOCK6 antisense RNA 1; plus strand). Cytogenetic location: 19p13.2.
Variant type: Indel.
Coding change: c.4196_4197delinsGATG on transcript NM_020812.4 (MANE Select); coding-DNA positions 4196 to 4197, TC replaced by GATG.
Protein change: p.Ile1399fs; shifts the reading frame from isoleucine 1399.
Molecular consequence: frameshift variant.
Genome position (GRCh38, 1-based): chr19:11,214,559-11,214,560, GA replaced by CATC on the plus strand (TC replaced by GATG on the coding strand, the reverse complement: DOCK6 is on the minus strand). VCF-style: chr19-11214559-GA-CATC. GRCh37 (hg19) VCF-style: chr19-11325235-GA-CATC.
Other names: c.4301_4302delinsGATG, p.Ile1434fs (NM_001367830.1); short protein forms I1434fs, I1399fs.
Identifiers: ClinVar variation 5005915 (VCV005005915.2).